The following is an entry in ClinVar:

NM_001171613.2(PREPL):c.961T>C (p.Ser321Pro)

Gene: PREPL (prolyl endopeptidase like; minus strand). Cytogenetic location: 2p21.
Variant type: single nucleotide variant.
Coding change: c.961T>C on transcript NM_001171613.2 (MANE Select); coding-DNA position 961, T replaced by C.
Protein change: p.Ser321Pro; replaces serine 321 with proline.
Molecular consequence: missense variant. On other transcripts: intron variant (1).
Genome position (GRCh38, 1-based): chr2:44,332,584, A>G on the plus strand (T>C on the coding strand, the complement: PREPL is on the minus strand). VCF-style: chr2-44332584-A-G. GRCh37 (hg19) VCF-style: chr2-44559723-A-G.
Other names: c.1042T>C, p.Ser348Pro (NM_001042385.2); c.1228T>C, p.Ser410Pro (NM_001171603.1, NM_001171606.2, NM_001374275.1 and 2 more transcripts); c.961T>C, p.Ser321Pro (NM_001171617.1, NM_001374277.1); c.1156-3472T>C (NM_001042386.2); short protein forms S321P, S348P, S410P.
Identifiers: ClinVar variation 1351740 (VCV001351740.8), dbSNP rs1367770744, ClinGen allele CA346691195.

ClinVar aggregate classification (germline): Uncertain significance (1 of 4 stars; one submission).

Conditions:
Myasthenic syndrome, congenital, 22 (CMS22). Also called: PREPL DEFICIENCY. Identifiers: MedGen C4479088, MONDO:0044299, OMIM 616224.

Allele frequency attached by ClinVar (database versions not stated): gnomAD 0.00001; gnomAD exomes 0.00001; TOPMed 0.00001.
gnomAD v4.1: 5 of 1,613,782 alleles (0.00031%); highest among the groups gnomAD compares: Non-Finnish European, 0.00042%; no homozygotes.

Submission:

Labcorp Genetics (formerly Invitae), Labcorp
Classification: Uncertain significance for Myasthenic syndrome, congenital, 22. Last evaluated: 2021-06-14. Review status: criteria provided, single submitter. Criteria: Invitae Variant Classification Sherloc (09022015). Collection method: clinical testing. Allele origin: germline.
Comment: This sequence change replaces serine with proline at codon 410 of the PREPL protein (p.Ser410Pro). The serine residue is highly conserved and there is a moderate physicochemical difference between serine and proline. This variant is not present in population databases (ExAC no frequency). This variant has not been reported in the literature in individuals with PREPL-related conditions. Algorithms developed to predict the effect of missense changes on protein structure and function are either unavailable or do not agree on the potential impact of this missense change (SIFT: "Deleterious"; PolyPhen-2: "Probably Damaging"; Align-GVGD: "Class C0"). In summary, the available evidence is currently insufficient to determine the role of this variant in disease. Therefore, it has been classified as a Variant of Uncertain Significance.